The following is an entry in ClinVar:

ClinVar aggregate classification (germline): Uncertain significance. Review status: criteria provided, multiple submitters, no conflicts (2 of 4 stars). 2 submissions from 2 submitters: Uncertain significance (2). Last evaluated 2026-02-17.

Conditions:
Inborn genetic diseases. Identifiers: MedGen C0950123, MeSH D030342.

Allele frequency attached by ClinVar (database versions not stated): gnomAD 0.00001.
gnomAD v4.1: 5 of 1,613,910 alleles (0.00031%); highest among the groups gnomAD compares: African/African-American, 0.0027%; no homozygotes.

Submissions (2):

Ambry Genetics
Classification: Uncertain significance for Inborn genetic diseases. Last evaluated: 2026-02-17. Review status: criteria provided, single submitter. Criteria: Ambry Variant Classification Scheme 2023. Collection method: clinical testing. Allele origin: germline.

Labcorp Genetics (formerly Invitae), Labcorp
Classification: Uncertain significance. Last evaluated: 2024-12-12. Review status: criteria provided, single submitter. Criteria: Invitae Variant Classification Sherloc (09022015). Collection method: clinical testing. Allele origin: germline.
Comment: This sequence change replaces arginine, which is basic and polar, with histidine, which is basic and polar, at codon 731 of the LEMD3 protein (p.Arg731His). This variant is not present in population databases (gnomAD no frequency). This variant has not been reported in the literature in individuals affected with LEMD3-related conditions. ClinVar contains an entry for this variant (Variation ID: 2983827). Invitae Evidence Modeling of protein sequence and biophysical properties (such as structural, functional, and spatial information, amino acid conservation, physicochemical variation, residue mobility, and thermodynamic stability) indicates that this missense variant is expected to disrupt LEMD3 protein function with a positive predictive value of 80%. In summary, the available evidence is currently insufficient to determine the role of this variant in disease. Therefore, it has been classified as a Variant of Uncertain Significance.

NM_014319.5(LEMD3):c.2192G>A (p.Arg731His)

Gene: LEMD3 (LEM domain containing 3; plus strand). Cytogenetic location: 12q14.3.
Variant type: single nucleotide variant.
Coding change: c.2192G>A on transcript NM_014319.5 (MANE Select); coding-DNA position 2192, G replaced by A.
Protein change: p.Arg731His; replaces arginine 731 with histidine.
Molecular consequence: missense variant.
Genome position (GRCh38, 1-based): chr12:65,240,974, G>A. VCF-style: chr12-65240974-G-A. GRCh37 (hg19) VCF-style: chr12-65634754-G-A.
Other names: c.2189G>A, p.Arg730His (NM_001167614.2); c.2192G>A (NM_014319.4); short protein forms R730H, R731H.
Identifiers: ClinVar variation 2983827 (VCV002983827.4), dbSNP rs773133991, ClinGen allele CA385672837.
Genomic context (GRCh38, chr12:65,240,974, plus strand): 5'-AAATGAAGAAAGTCTGGGATAGAGCTGTTGACTTCCTTGCTGCTAATGAGTCTAGAGTTC[G>A]CACGGAAACACGAAGAATAGGTGGTGCAGATTTTCTGGTTTGGCGGTGGATCCAGCCTTC-3'
Protein context (NP_055134.2, residues 721-741): DFLAANESRV[Arg731His]TETRRIGGAD